The following is an entry in ClinVar:

ClinVar aggregate classification (germline): Uncertain significance (1 of 4 stars; one submission).

Conditions:
Dystonic disorder. Also called: Dystonia. Identifiers: MedGen C0013421, MONDO:0003441, HP:0001332.

Submission:

Labcorp Genetics (formerly Invitae), Labcorp
Classification: Uncertain significance for Dystonic disorder. Last evaluated: 2025-09-10. Review status: criteria provided, single submitter. Criteria: Invitae Variant Classification Sherloc (09022015). Collection method: clinical testing. Allele origin: germline.
Comment: This sequence change replaces proline, which is neutral and non-polar, with alanine, which is neutral and non-polar, at codon 212 of the CIZ1 protein (p.Pro212Ala). This variant is not present in population databases (gnomAD no frequency). This variant has not been reported in the literature in individuals affected with CIZ1-related conditions. An algorithm developed to predict the effect of missense changes on protein structure and function outputs the following: PolyPhen-2: "Benign". The alanine amino acid residue is found in multiple mammalian species, which suggests that this missense change does not adversely affect protein function. In summary, the available evidence is currently insufficient to determine the role of this variant in disease. Therefore, it has been classified as a Variant of Uncertain Significance.

NM_001131016.2(CIZ1):c.634C>G (p.Pro212Ala)

Gene: CIZ1 (CDKN1A interacting zinc finger protein 1; minus strand). Cytogenetic location: 9q34.11.
Variant type: single nucleotide variant.
Coding change: c.634C>G on transcript NM_001131016.2 (MANE Select); coding-DNA position 634, C replaced by G.
Protein change: p.Pro212Ala; replaces proline 212 with alanine.
Molecular consequence: missense variant.
Genome position (GRCh38, 1-based): chr9:128,180,769, G>C on the plus strand (C>G on the coding strand, the complement: CIZ1 is on the minus strand). VCF-style: chr9-128180769-G-C. GRCh37 (hg19) VCF-style: chr9-130943048-G-C.
Other names: c.634C>G, p.Pro212Ala (NM_001131015.2, NM_012127.3); c.619C>G, p.Pro207Ala (NM_001131017.2); c.562C>G, p.Pro188Ala (NM_001131018.2); c.724C>G, p.Pro242Ala (NM_001257975.2); c.331C>G, p.Pro111Ala (NM_001257976.2); short protein forms P111A, P207A, P212A, P188A, P242A.
Identifiers: ClinVar variation 4726567 (VCV004726567.1).
Genomic context (GRCh38, chr9:128,180,769, plus strand): 5'-TCCCTCCCTCACCTTCTGGTGTGTCCATCCGGGGCTCTGCGGCTTCCTCAGACCCCTCTG[G>C]GGGGTCTGACTTGTCTTCCACAGGCATTGTCTGAGAAGAAGAATCCTGCTTCCTTTCAGA-3'
Protein context (NP_001124488.1, residues 202-222): TMPVEDKSDP[Pro212Ala]EGSEEAAEPR